The following is an entry in ClinVar:

ClinVar aggregate classification (germline): Uncertain significance (1 of 4 stars; one submission).

Conditions:
Rhabdoid tumor predisposition syndrome 2 (RTPS2). Identifiers: Orphanet 231108, Orphanet 69077, MedGen C2750074, MONDO:0013224, OMIM 613325.

Submission:

Labcorp Genetics (formerly Invitae), Labcorp
Classification: Uncertain significance for Rhabdoid tumor predisposition syndrome 2. Last evaluated: 2025-12-01. Review status: criteria provided, single submitter. Criteria: Invitae Variant Classification Sherloc (09022015). Collection method: clinical testing. Allele origin: germline.
Comment: This sequence change replaces valine, which is neutral and non-polar, with alanine, which is neutral and non-polar, at codon 364 of the SMARCA4 protein (p.Val364Ala). This variant is not present in population databases (gnomAD no frequency). This variant has not been reported in the literature in individuals affected with SMARCA4-related conditions. Invitae Evidence Modeling of protein sequence and biophysical properties (such as structural, functional, and spatial information, amino acid conservation, physicochemical variation, residue mobility, and thermodynamic stability) indicates that this missense variant is not expected to disrupt SMARCA4 protein function with a negative predictive value of 80%. In summary, the available evidence is currently insufficient to determine the role of this variant in disease. Therefore, it has been classified as a Variant of Uncertain Significance.

NM_003072.5(SMARCA4):c.1091T>C (p.Val364Ala)

Gene: SMARCA4 (SWI/SNF related BAF chromatin remodeling complex subunit ATPase 4; plus strand). Cytogenetic location: 19p13.2.
Variant type: single nucleotide variant.
Coding change: c.1091T>C on transcript NM_003072.5 (MANE Select); coding-DNA position 1091, T replaced by C.
Protein change: p.Val364Ala; replaces valine 364 with alanine.
Molecular consequence: missense variant. On other transcripts: non-coding transcript variant (1).
Genome position (GRCh38, 1-based): chr19:10,987,897, T>C. VCF-style: chr19-10987897-T-C. GRCh37 (hg19) VCF-style: chr19-11098573-T-C.
Other names: c.1091T>C, p.Val364Ala (NM_001128844.3, NM_001128845.2, NM_001128846.2 and 6 more transcripts); short protein forms V364A.
Identifiers: ClinVar variation 4802545 (VCV004802545.1).
Genomic context (GRCh38, chr19:10,987,897, plus strand): 5'-CACTGCACCAGAAGCAGAGCCGCATCACCCCCATCCAGAAGCCGCGGGGCCTCGACCCTG[T>C]GGAGATCCTGCAGGAGCGCGAGTACAGGTGAGGGCGGGGCCCAGTTGCCAAGGTCACTGC-3'
Protein context (NP_003063.2, residues 354-374): PIQKPRGLDP[Val364Ala]EILQEREYRL